The following is an entry in ClinVar:

NM_015072.5(TTLL5):c.3744dup (p.Ser1249fs)

Gene: TTLL5 (tubulin tyrosine ligase like 5; plus strand). Cytogenetic location: 14q24.3.
Variant type: Duplication.
Coding change: c.3744dup on transcript NM_015072.5 (MANE Select); coding-DNA position 3744, one base duplicated (G; older notation c.3744dupG).
Protein change: p.Ser1249fs; shifts the reading frame from serine 1249.
Molecular consequence: frameshift variant.
Genome position (GRCh38, 1-based): chr14:75,902,145, G duplicated; the last of 3 consecutive G bases (chr14:75,902,143-75,902,145); duplicating any one gives the same sequence. VCF-style (leftmost placement, unchanged base first): chr14-75902142-A-AG. GRCh37 (hg19) VCF-style: chr14-76368485-A-AG.
Other names: NC_000014.8:g.76368488dup; NP_055887.3:p.(Ser1249ValfsTer15); short protein forms S1249fs.
Identifiers: ClinVar variation 1441173 (VCV001441173.6), dbSNP rs753057666, ClinGen allele CA7280152.

ClinVar aggregate classification (germline): Conflicting classifications of pathogenicity. Review status: criteria provided, conflicting classifications (1 of 4 stars). 3 submissions from 3 submitters: Pathogenic (1); Likely pathogenic (1); Uncertain significance (1). Last evaluated 2024-05-27.

Conditions:
TTLL5-related disorder. Also called: TTLL5-related condition.
Retinal dystrophy. Also called: Inherited retinal dystrophy. Identifiers: Orphanet 71862, MedGen C0854723, MeSH D058499, MONDO:0019118, HP:0000556.

Submissions (3):

Ophthalmic Genetics Group, Institute of Molecular and Clinical Ophthalmology Basel
Classification: Pathogenic for Retinal dystrophy. Last evaluated: 2024-05-27. Review status: criteria provided, single submitter. Criteria: ACMG Guidelines, 2015. Collection method: research. Allele origin: germline. Affected: yes. Observed: 1 variant allele.
Comment: This variant was classified as Pathogenic based on ACMG criteria: PVS1_very strong, PM2_mod and PM3_mod

Blueprint Genetics
Classification: Likely pathogenic for TTLL5-related disorders. Last evaluated: 2022-10-26. Review status: criteria provided, single submitter. Criteria: ACMG Guidelines, 2015. Collection method: clinical testing. Allele origin: germline. Affected: yes. Observed: 5 variant alleles.

Labcorp Genetics (formerly Invitae), Labcorp
Classification: Uncertain significance. Last evaluated: 2022-09-13. Review status: criteria provided, single submitter. Criteria: Invitae Variant Classification Sherloc (09022015). Collection method: clinical testing. Allele origin: germline.
Comment: This sequence change creates a premature translational stop signal (p.Ser1249Valfs*15) in the TTLL5 gene. While this is not anticipated to result in nonsense mediated decay, it is expected to disrupt the last 33 amino acid(s) of the TTLL5 protein. This variant is present in population databases (rs753057666, gnomAD 0.03%). This variant has not been reported in the literature in individuals affected with TTLL5-related conditions. ClinVar contains an entry for this variant (Variation ID: 1441173). Experimental studies and prediction algorithms are not available or were not evaluated, and the functional significance of this variant is currently unknown. In summary, the available evidence is currently insufficient to determine the role of this variant in disease. Therefore, it has been classified as a Variant of Uncertain Significance.

Literature cited by the submitters: PubMed 40180963 (cited by Ophthalmic Genetics Group, Institute of Molecular and Clinical Ophthalmology Basel).